The following is an entry in ClinVar:

NM_004187.5(KDM5C):c.1810G>A (p.Gly604Ser)

Gene: KDM5C (lysine demethylase 5C; minus strand). Cytogenetic location: Xp11.22.
Variant type: single nucleotide variant.
Coding change: c.1810G>A on transcript NM_004187.5 (MANE Select); coding-DNA position 1810, G replaced by A.
Protein change: p.Gly604Ser; replaces glycine 604 with serine.
Molecular consequence: missense variant. On other transcripts: non-coding transcript variant (3).
Genome position (GRCh38, 1-based): chrX:53,201,910, C>T on the plus strand (G>A on the coding strand, the complement: KDM5C is on the minus strand). VCF-style: chrX-53201910-C-T. GRCh37 (hg19) VCF-style: chrX-53231092-C-T.
Other names: c.1609G>A, p.Gly537Ser (NM_001146702.2); c.1807G>A, p.Gly603Ser (NM_001282622.3, NM_001353979.2, NM_001353982.2); c.1810G>A, p.Gly604Ser (NM_001353978.3, NM_001353981.2, NM_001353984.2); short protein forms G604S, G537S, G603S.
Identifiers: ClinVar variation 5009565 (VCV005009565.1).

ClinVar aggregate classification (germline): Uncertain significance (1 of 4 stars; one submission).

gnomAD v4.1: 1 of 1,212,051 alleles (0.000083%); highest among the groups gnomAD compares: Non-Finnish European, 0.00011%; no homozygotes.

Submission:

GeneDx
Classification: Uncertain significance. Last evaluated: 2026-02-12. Review status: criteria provided, single submitter. Criteria: GeneDx Variant Classification Process June 2021. Collection method: clinical testing. Allele origin: germline.
Comment: Not observed at significant frequency in large population cohorts (gnomAD); In silico analysis supports that this missense variant has a deleterious effect on protein structure/function; Has not been previously published as pathogenic or benign to our knowledge